The following is an entry in ClinVar:

NM_001261826.3(AP3D1):c.3524G>A (p.Gly1175Asp)

Gene: AP3D1 (adaptor related protein complex 3 subunit delta 1; minus strand). Cytogenetic location: 19p13.3.
Variant type: single nucleotide variant.
Coding change: c.3524G>A on transcript NM_001261826.3 (MANE Select); coding-DNA position 3524, G replaced by A.
Protein change: p.Gly1175Asp; replaces glycine 1175 with aspartic acid.
Molecular consequence: missense variant.
Genome position (GRCh38, 1-based): chr19:2,108,715, C>T on the plus strand (G>A on the coding strand, the complement: AP3D1 is on the minus strand). VCF-style: chr19-2108715-C-T. GRCh37 (hg19) VCF-style: chr19-2108714-C-T.
Other names: c.3488G>A, p.Gly1163Asp (NM_001374799.1); c.3338G>A, p.Gly1113Asp (NM_003938.8); short protein forms G1175D, G1163D, G1113D.
Identifiers: ClinVar variation 4768889 (VCV004768889.1).
Genomic context (GRCh38, chr19:2,108,715, plus strand): 5'-AGCCAGGGTGTGCACAGCAGCCCGAGGCTCACCTTTTTCACCAGGAGGCAGACATGGTGG[C>T]CCTGGATGGAGCGGCTGTACATGGAGGCGCAGGAGTCCACTCGCTCCACAACTGCAACAG-3'
Protein context (NP_001248755.1, residues 1165-1185): CASMYSRSIQ[Gly1175Asp]HHVCLLVKKG

ClinVar aggregate classification (germline): Uncertain significance (1 of 4 stars; one submission).

gnomAD v4.1: 14 of 1,584,118 alleles (0.00088%); highest among the groups gnomAD compares: South Asian, 0.0012%; no homozygotes.

Submission:

Labcorp Genetics (formerly Invitae), Labcorp
Classification: Uncertain significance. Last evaluated: 2025-02-15. Review status: criteria provided, single submitter. Criteria: Invitae Variant Classification Sherloc (09022015). Collection method: clinical testing. Allele origin: germline.
Comment: This sequence change replaces glycine, which is neutral and non-polar, with aspartic acid, which is acidic and polar, at codon 1175 of the AP3D1 protein (p.Gly1175Asp). The frequency data for this variant in the population databases is considered unreliable, as metrics indicate poor data quality at this position in the gnomAD database. This variant has not been reported in the literature in individuals affected with AP3D1-related conditions. An algorithm developed to predict the effect of missense changes on protein structure and function (PolyPhen-2) suggests that this variant is likely to be tolerated. In summary, the available evidence is currently insufficient to determine the role of this variant in disease. Therefore, it has been classified as a Variant of Uncertain Significance.